The following is an entry in ClinVar:

NM_000282.4(PCCA):c.1730A>G (p.Asn577Ser)

Gene: PCCA (propionyl-CoA carboxylase subunit alpha; plus strand). Cytogenetic location: 13q32.3.
Variant type: single nucleotide variant.
Coding change: c.1730A>G on transcript NM_000282.4 (MANE Select); coding-DNA position 1730, A replaced by G.
Protein change: p.Asn577Ser; replaces asparagine 577 with serine.
Molecular consequence: missense variant. On other transcripts: non-coding transcript variant (2).
Genome position (GRCh38, 1-based): chr13:100,368,558, A>G. VCF-style: chr13-100368558-A-G. GRCh37 (hg19) VCF-style: chr13-101020812-A-G.
Other names: p.Asn577Ser; c.1652A>G, p.Asn551Ser (NM_001127692.3, NM_001352607.2); c.1730A>G, p.Asn577Ser (NM_001178004.2, NM_001352605.2, NM_001352609.2); c.1586A>G, p.Asn529Ser (NM_001352606.2); c.1508A>G, p.Asn503Ser (NM_001352608.2); c.785A>G, p.Asn262Ser (NM_001352610.2, NM_001352611.2); c.641A>G, p.Asn214Ser (NM_001352612.2); short protein forms N214S, N262S, N503S, N529S, N551S, N577S.
Identifiers: ClinVar variation 1209648 (VCV001209648.6), dbSNP rs887791543, ClinGen allele CA255994601.

ClinVar aggregate classification (germline): Uncertain significance. Review status: criteria provided, multiple submitters, no conflicts (2 of 4 stars). 3 submissions from 3 submitters: Uncertain significance (3). Last evaluated 2025-01-08.

Conditions:
Propionic acidemia (PROP). Also called: GLYCINEMIA, KETOTIC; HYPERGLYCINEMIA WITH KETOACIDOSIS AND LEUKOPENIA; KETOTIC HYPERGLYCINEMIA. Identifiers: Orphanet 35, MedGen C0268579, MONDO:0011628, OMIM 606054, HP:0003571.

Allele frequency attached by ClinVar (database versions not stated): gnomAD exomes 0.00001; TOPMed 0.00002; gnomAD 0.00003.
gnomAD v4.1: 18 of 1,599,240 alleles (0.0011%); highest among the groups gnomAD compares: Admixed American, 0.017%; no homozygotes.

Submissions (3):

Mayo Clinic Laboratories, Mayo Clinic
Classification: Uncertain significance. Last evaluated: 2025-01-08. Review status: criteria provided, single submitter. Criteria: ACMG Guidelines, 2015. Collection method: clinical testing. Allele origin: germline. Observed: 1 variant allele.
Comment: BP4_moderate

Labcorp Genetics (formerly Invitae), Labcorp
Classification: Uncertain significance for Propionic acidemia. Last evaluated: 2022-06-13. Review status: criteria provided, single submitter. Criteria: Invitae Variant Classification Sherloc (09022015). Collection method: clinical testing. Allele origin: germline.
Comment: This sequence change replaces asparagine, which is neutral and polar, with serine, which is neutral and polar, at codon 577 of the PCCA protein (p.Asn577Ser). This variant is present in population databases (no rsID available, gnomAD 0.009%). This variant has not been reported in the literature in individuals affected with PCCA-related conditions. ClinVar contains an entry for this variant (Variation ID: 1209648). Advanced modeling of protein sequence and biophysical properties (such as structural, functional, and spatial information, amino acid conservation, physicochemical variation, residue mobility, and thermodynamic stability) performed at Invitae indicates that this missense variant is not expected to disrupt PCCA protein function. Algorithms developed to predict the effect of sequence changes on RNA splicing suggest that this variant may create or strengthen a splice site. In summary, the available evidence is currently insufficient to determine the role of this variant in disease. Therefore, it has been classified as a Variant of Uncertain Significance.

Genome-Nilou Lab
Classification: Uncertain significance for Propionic acidemia. Last evaluated: 2021-07-14. Review status: criteria provided, single submitter. Criteria: ACMG Guidelines, 2015. Collection method: clinical testing. Allele origin: germline. Affected: no.

Literature cited by the submitters: PubMed 28853722 (cited by Mayo Clinic Laboratories, Mayo Clinic).